The following is an entry in ClinVar:

ClinVar aggregate classification (germline): Uncertain significance. Review status: criteria provided, multiple submitters, no conflicts (2 of 4 stars). 3 submissions from 3 submitters: Uncertain significance (3). Last evaluated 2026-01-26.

Conditions:
Colorectal cancer, hereditary nonpolyposis, type 7. Identifiers: Orphanet 144, MedGen C1858380, MONDO:0013725, OMIM 614385.

Allele frequency attached by ClinVar (database versions not stated): gnomAD exomes 0.00001; TOPMed 0.00001.
gnomAD v4.1: 13 of 1,613,766 alleles (0.00081%); highest among the groups gnomAD compares: Middle Eastern, 0.017%; no homozygotes.

Submissions (3):

Labcorp Genetics (formerly Invitae), Labcorp
Classification: Uncertain significance for Colorectal cancer, hereditary nonpolyposis, type 7. Last evaluated: 2026-01-26. Review status: criteria provided, single submitter. Criteria: Invitae Variant Classification Sherloc (09022015). Collection method: clinical testing. Allele origin: germline.
Comment: This sequence change replaces proline, which is neutral and non-polar, with arginine, which is basic and polar, at codon 551 of the MLH3 protein (p.Pro551Arg). This variant is present in population databases (no rsID available, gnomAD 0.003%). This variant has not been reported in the literature in individuals affected with MLH3-related conditions. ClinVar contains an entry for this variant (Variation ID: 1387119). An algorithm developed to predict the effect of missense changes on protein structure and function (PolyPhen-2) suggests that this variant is likely to be tolerated. In summary, the available evidence is currently insufficient to determine the role of this variant in disease. Therefore, it has been classified as a Variant of Uncertain Significance.

Center for Genomic Medicine, Rigshospitalet, Copenhagen University Hospital
Classification: Uncertain significance. Last evaluated: 2025-12-29. Review status: criteria provided, single submitter. Criteria: ACMG Guidelines, 2015. Collection method: clinical testing. Allele origin: germline.

Ambry Genetics
Classification: Uncertain significance. Last evaluated: 2025-06-27. Review status: criteria provided, single submitter. Criteria: Ambry Variant Classification Scheme 2023. Collection method: clinical testing. Allele origin: germline.
Comment: The p.P551R variant (also known as c.1652C>G), located in coding exon 1 of the MLH3 gene, results from a C to G substitution at nucleotide position 1652. The proline at codon 551 is replaced by arginine, an amino acid with dissimilar properties. This amino acid position is poorly conserved in available vertebrate species. In addition, this alteration is predicted to be tolerated by in silico analysis. Since supporting evidence is limited at this time, the clinical significance of this alteration remains unclear.

NM_001040108.2(MLH3):c.1652C>G (p.Pro551Arg)

Gene: MLH3 (mutL homolog 3; minus strand). Cytogenetic location: 14q24.3.
Variant type: single nucleotide variant.
Coding change: c.1652C>G on transcript NM_001040108.2 (MANE Select); coding-DNA position 1652, C replaced by G.
Protein change: p.Pro551Arg; replaces proline 551 with arginine.
Molecular consequence: missense variant.
Genome position (GRCh38, 1-based): chr14:75,048,004, G>C on the plus strand (C>G on the coding strand, the complement: MLH3 is on the minus strand). VCF-style: chr14-75048004-G-C. GRCh37 (hg19) VCF-style: chr14-75514707-G-C.
Other names: c.1652C>G, p.Pro551Arg (NM_014381.3); short protein forms P551R.
Identifiers: ClinVar variation 1387119 (VCV001387119.12), dbSNP rs1230335603, ClinGen allele CA390444709.